The following is an entry in ClinVar:

NM_000517.6(HBA2):c.*51C>A

Genes: HBA2 (hemoglobin subunit alpha 2; plus strand), LOC106804612 (hemoglobin subunit alpha 2 recombination region; plus strand). Cytogenetic location: 16p13.3.
Variant type: single nucleotide variant.
Coding change: c.*51C>A on transcript NM_000517.6 (MANE Select); 51 bases downstream of the stop codon, C replaced by A.
Molecular consequence: 3 prime UTR variant.
Genome position (GRCh38, 1-based): chr16:173,651, C>A. VCF-style: chr16-173651-C-A. GRCh37 (hg19) VCF-style: chr16-223650-C-A.
Identifiers: ClinVar variation 3054067 (VCV003054067.2), dbSNP rs1483225418, ClinGen allele CA973582704.

ClinVar aggregate classification (germline): Likely benign (0 of 4 stars; one submission).

Conditions:
HBA2-related disorder. Also called: HBA2-related condition.

Allele frequency attached by ClinVar (database versions not stated): gnomAD 0.00001.
gnomAD v4.1: 1 of 1,601,672 alleles (0.000062%); highest among the groups gnomAD compares: Admixed American, 0.0017%; no homozygotes.

Submission:

PreventionGenetics, part of Exact Sciences
Classification: Likely benign for HBA2-related condition. Last evaluated: 2022-11-11. Review status: no assertion criteria provided. Collection method: clinical testing. Allele origin: germline.
Comment: This variant is classified as likely benign based on ACMG/AMP sequence variant interpretation guidelines (Richards et al. 2015 PMID: 25741868, with internal and published modifications).